The following is an entry in ClinVar:

NM_032578.4(MYPN):c.3277G>A (p.Asp1093Asn)

Gene: MYPN (myopalladin; plus strand). Cytogenetic location: 10q21.3.
Variant type: single nucleotide variant.
Coding change: c.3277G>A on transcript NM_032578.4 (MANE Select); coding-DNA position 3277, G replaced by A.
Protein change: p.Asp1093Asn; replaces aspartic acid 1093 with asparagine.
Molecular consequence: missense variant. On other transcripts: non-coding transcript variant (2).
Genome position (GRCh38, 1-based): chr10:68,197,470, G>A. VCF-style: chr10-68197470-G-A. GRCh37 (hg19) VCF-style: chr10-69957227-G-A.
Other names: c.3277G>A, p.Asp1093Asn (NM_001256267.2); c.2395G>A, p.Asp799Asn (NM_001256268.2); short protein forms D1093N, D799N.
Identifiers: ClinVar variation 1207724 (VCV001207724.9), dbSNP rs747760649, ClinGen allele CA5522999.

ClinVar aggregate classification (germline): Uncertain significance. Review status: criteria provided, multiple submitters, no conflicts (2 of 4 stars). 2 submissions from 2 submitters: Uncertain significance (2). Last evaluated 2023-10-13.

Conditions:
Dilated cardiomyopathy 1KK (CMD1KK). Identifiers: Orphanet 154, Orphanet 75249, MedGen C3714995, MONDO:0014100, OMIM 615248.

Allele frequency attached by ClinVar (database versions not stated): gnomAD 0.00001; ExAC 0.00002; gnomAD exomes 0.00002; TOPMed 0.00002.
gnomAD v4.1: 26 of 1,613,608 alleles (0.0016%); highest among the groups gnomAD compares: Non-Finnish European, 0.0022%; no homozygotes.

Submissions (2):

Labcorp Genetics (formerly Invitae), Labcorp
Classification: Uncertain significance for Dilated cardiomyopathy 1KK. Last evaluated: 2023-10-13. Review status: criteria provided, single submitter. Criteria: Invitae Variant Classification Sherloc (09022015). Collection method: clinical testing. Allele origin: germline.
Comment: This sequence change replaces aspartic acid, which is acidic and polar, with asparagine, which is neutral and polar, at codon 1093 of the MYPN protein (p.Asp1093Asn). This variant is present in population databases (rs747760649, gnomAD 0.004%). This variant has not been reported in the literature in individuals affected with MYPN-related conditions. ClinVar contains an entry for this variant (Variation ID: 1207724). An algorithm developed to predict the effect of missense changes on protein structure and function (PolyPhen-2) suggests that this variant is likely to be disruptive. Algorithms developed to predict the effect of sequence changes on RNA splicing suggest that this variant may create or strengthen a splice site. In summary, the available evidence is currently insufficient to determine the role of this variant in disease. Therefore, it has been classified as a Variant of Uncertain Significance.

GeneDx
Classification: Uncertain significance. Last evaluated: 2019-09-20. Review status: criteria provided, single submitter. Criteria: GeneDx Variant Classification Process June 2021. Collection method: clinical testing. Allele origin: germline. Affected: yes.
Comment: Has not been previously published as pathogenic or benign to our knowledge; Observed in conjunction with additional cardiogenetic variants in patients with DCM referred for genetic testing at GeneDx; Not observed at a significant frequency in large population cohorts (Lek et al., 2016); In silico analysis, which includes protein predictors and evolutionary conservation, supports a deleterious effect